The following is an entry in ClinVar:

ClinVar aggregate classification (germline): Uncertain significance (1 of 4 stars; one submission).

Allele frequency attached by ClinVar (database versions not stated): gnomAD exomes 0.00001.

Submission:

GeneDx
Classification: Uncertain significance. Last evaluated: 2022-05-06. Review status: criteria provided, single submitter. Criteria: GeneDx Variant Classification Process June 2021. Collection method: clinical testing. Allele origin: germline. Affected: yes.
Comment: In silico analysis supports that this missense variant has a deleterious effect on protein structure/function; Has not been previously published as pathogenic or benign to our knowledge

NM_004999.4(MYO6):c.412A>G (p.Met138Val)

Gene: MYO6 (myosin VI; plus strand). Cytogenetic location: 6q14.1.
Variant type: single nucleotide variant.
Coding change: c.412A>G on transcript NM_004999.4 (MANE Select); coding-DNA position 412, A replaced by G.
Protein change: p.Met138Val; replaces methionine 138 with valine.
Molecular consequence: missense variant. On other transcripts: non-coding transcript variant (2).
Genome position (GRCh38, 1-based): chr6:75,832,862, A>G. VCF-style: chr6-75832862-A-G. GRCh37 (hg19) VCF-style: chr6-76542579-A-G.
Other names: c.412A>G, p.Met138Val (NM_001300899.2, NM_001368136.1, NM_001368137.1 and 5 more transcripts); short protein forms M138V.
Identifiers: ClinVar variation 1723555 (VCV001723555.2), dbSNP rs1424113153, ClinGen allele CA364768084.
Genomic context (GRCh38, chr6:75,832,862, plus strand): 5'-TAATATATTGCTCATCATTAATGTCTTATTTTGACCCTAGCTGATAAAGCTTTTCGAGAC[A>G]TGAAGGTGCTCAAGATGAGTCAGTCTATCATTGTATCTGGAGAATCAGGAGCCGGCAAAA-3'
Protein context (NP_004990.3, residues 128-148): FAIADKAFRD[Met138Val]KVLKMSQSII